The following is an entry in ClinVar:

ClinVar aggregate classification (germline): Uncertain significance (1 of 4 stars; one submission).

Conditions:
Kabuki syndrome 2 (KABUK2). Also called: KDM6A-Related Kabuki Syndrome. Identifiers: Orphanet 2322, MedGen C3275495, MONDO:0010465, OMIM 300867.

Submission:

Laboratorio de Genetica e Diagnostico Molecular, Hospital Israelita Albert Einstein
Classification: Uncertain significance for Kabuki syndrome 2. Last evaluated: 2022-10-21. Review status: criteria provided, single submitter. Criteria: ACMG Guidelines, 2015. Collection method: clinical testing. Allele origin: germline. Affected: yes.
Comment: ACMG classification criteria: PM2 moderated, BP4 supporting

NM_001291415.2(KDM6A):c.1436A>C (p.Asp479Ala)

Gene: KDM6A (lysine demethylase 6A; plus strand). Cytogenetic location: Xp11.3.
Variant type: single nucleotide variant.
Coding change: c.1436A>C on transcript NM_001291415.2 (MANE Select); coding-DNA position 1436, A replaced by C.
Protein change: p.Asp479Ala; replaces aspartic acid 479 with alanine.
Molecular consequence: missense variant. On other transcripts: non-coding transcript variant (1), intron variant (4).
Genome position (GRCh38, 1-based): chrX:45,060,715, A>C. VCF-style: chrX-45060715-A-C. GRCh37 (hg19) VCF-style: chrX-44919960-A-C.
Other names: c.1301A>C, p.Asp434Ala (NM_001291416.2); c.1329+559A>C (NM_021140.4); c.1195-609A>C (NM_001291417.2, NM_001291418.2); c.442-609A>C (NM_001291421.2); short protein forms D434A, D479A.
Identifiers: ClinVar variation 2431703 (VCV002431703.2), dbSNP rs962357211, ClinGen allele CA412784131.